The following is an entry in ClinVar:

ClinVar aggregate classification (germline): Uncertain significance (1 of 4 stars; one submission).

Conditions:
Aortic aneurysm, familial thoracic 7 (AAT7). Also called: AORTIC DISSECTION, FAMILIAL, WITH OR WITHOUT AORTIC ANEURYSM. Identifiers: MedGen C3151077, MONDO:0013418, OMIM 613780.

gnomAD v4.1: 1 of 1,614,202 alleles (0.000062%); highest among the groups gnomAD compares: African/African-American, 0.0013%; no homozygotes.

Submission:

Labcorp Genetics (formerly Invitae), Labcorp
Classification: Uncertain significance for Aortic aneurysm, familial thoracic 7. Last evaluated: 2026-01-22. Review status: criteria provided, single submitter. Criteria: Invitae Variant Classification Sherloc (09022015). Collection method: clinical testing. Allele origin: germline.
Comment: This sequence change replaces alanine, which is neutral and non-polar, with valine, which is neutral and non-polar, at codon 32 of the MYLK protein (p.Ala32Val). This variant is not present in population databases (gnomAD no frequency). This variant has not been reported in the literature in individuals affected with MYLK-related conditions. ClinVar contains an entry for this variant (Variation ID: 3707552). Invitae Evidence Modeling of protein sequence and biophysical properties (such as structural, functional, and spatial information, amino acid conservation, physicochemical variation, residue mobility, and thermodynamic stability) indicates that this missense variant is not expected to disrupt MYLK protein function with a negative predictive value of 95%. In summary, the available evidence is currently insufficient to determine the role of this variant in disease. Therefore, it has been classified as a Variant of Uncertain Significance.

NM_053025.4(MYLK):c.95C>T (p.Ala32Val)

Gene: MYLK (myosin light chain kinase; minus strand). Cytogenetic location: 3q21.1.
Variant type: single nucleotide variant.
Coding change: c.95C>T on transcript NM_053025.4 (MANE Select); coding-DNA position 95, C replaced by T.
Protein change: p.Ala32Val; replaces alanine 32 with valine.
Molecular consequence: missense variant. On other transcripts: 5 prime UTR variant (1).
Genome position (GRCh38, 1-based): chr3:123,793,747, G>A on the plus strand (C>T on the coding strand, the complement: MYLK is on the minus strand). VCF-style: chr3-123793747-G-A. GRCh37 (hg19) VCF-style: chr3-123512594-G-A.
Other names: c.-226C>T (NM_001321309.2); c.95C>T, p.Ala32Val (NM_053026.4, NM_053027.4, NM_053028.4); short protein forms A32V.
Identifiers: ClinVar variation 3707552 (VCV003707552.2).